The following is an entry in ClinVar:

NM_007347.5(AP4E1):c.3351C>T (p.Ser1117=)

Gene: AP4E1 (adaptor related protein complex 4 subunit epsilon 1; plus strand). Cytogenetic location: 15q21.2.
Variant type: single nucleotide variant.
Coding change: c.3351C>T on transcript NM_007347.5 (MANE Select); coding-DNA position 3351, C replaced by T.
Protein change: p.Ser1117=; no amino-acid change (serine 1117 retained).
Molecular consequence: synonymous variant.
Genome position (GRCh38, 1-based): chr15:51,002,599, C>T. VCF-style: chr15-51002599-C-T. GRCh37 (hg19) VCF-style: chr15-51294796-C-T.
Other names: c.3126C>T, p.Ser1042= (NM_001252127.2).
Identifiers: ClinVar variation 698049 (VCV000698049.15), dbSNP rs371690344, ClinGen allele CA7559495.
Genomic context (GRCh38, chr15:51,002,599, plus strand): 5'-CATCCCCTGCTTACTGCATTGCCGAGTTCATGCAGATGTATTAGCCCTGTGGTTCAGATC[C>T]TCCTGTTCTACTCTTCCTGACTATTTACTGTATCAGTGTCAAAAGGTGATGGAGGGATCC-3'
Protein context (NP_031373.2, residues 1107-1127): HADVLALWFR[Ser1117=]SCSTLPDYLL

ClinVar aggregate classification (germline): Conflicting classifications of pathogenicity. Review status: criteria provided, conflicting classifications (1 of 4 stars). 3 submissions from 3 submitters: Uncertain significance (1); Likely benign (1). 1 of the submissions does not count toward it. Last evaluated 2025-12-08.

Conditions:
Spastic paraplegia. Identifiers: MedGen C0037772, HP:0001258.
Hereditary spastic paraplegia. Also called: Familial spastic paraparesis. Identifiers: Orphanet 685, MedGen C0037773, MONDO:0019064. Disease mechanism: loss of function.
AP4E1-related disorder. Also called: AP4E1-related condition.

Allele frequency attached by ClinVar (database versions not stated): gnomAD exomes 0.00002 and 0.00007; ExAC 0.00009; ESP Exome Variant Server 0.00023; TOPMed 0.00027; gnomAD 0.00028 and 0.00029.
gnomAD v4.1: 66 of 1,614,168 alleles (0.0041%); highest among the groups gnomAD compares: African/African-American, 0.087%; no homozygotes.

Submissions (3):

Labcorp Genetics (formerly Invitae), Labcorp
Classification: Likely benign for Spastic paraplegia. Last evaluated: 2025-12-08. Review status: criteria provided, single submitter. Criteria: Invitae Variant Classification Sherloc (09022015). Collection method: clinical testing. Allele origin: germline.

Genome Diagnostics Laboratory, The Hospital for Sick Children
Classification: Uncertain significance for Hereditary spastic paraplegia. Last evaluated: 2018-11-01. Review status: criteria provided, single submitter. Criteria: ACMG Guidelines, 2015. Collection method: clinical testing. Allele origin: germline. Affected: yes.

PreventionGenetics, part of Exact Sciences
Classification: Likely benign for AP4E1-related condition. Last evaluated: 2019-04-24. Review status: no assertion criteria provided. Collection method: clinical testing. Allele origin: germline. Not counted in ClinVar's aggregate classification.
Comment: This variant is classified as likely benign based on ACMG/AMP sequence variant interpretation guidelines (Richards et al. 2015 PMID: 25741868, with internal and published modifications).